The following is an entry in ClinVar:

ClinVar aggregate classification (germline): Uncertain significance (1 of 4 stars; one submission).

Conditions:
Cardiovascular phenotype. Identifiers: MedGen CN230736.

Allele frequency attached by ClinVar (database versions not stated): gnomAD exomes below 0.00001; gnomAD 0.00001.

Submission:

Ambry Genetics
Classification: Uncertain significance for Cardiovascular phenotype. Last evaluated: 2023-10-15. Review status: criteria provided, single submitter. Criteria: Ambry Variant Classification Scheme 2023. Collection method: clinical testing. Allele origin: germline.
Comment: The p.G267R variant (also known as c.799G>A), located in coding exon 2 of the JPH2 gene, results from a G to A substitution at nucleotide position 799. The glycine at codon 267 is replaced by arginine, an amino acid with dissimilar properties. This amino acid position is conserved. In addition, this alteration is predicted to be tolerated by in silico analysis. Since supporting evidence is limited at this time, the clinical significance of this alteration remains unclear.

NM_020433.5(JPH2):c.799G>A (p.Gly267Arg)

Gene: JPH2 (junctophilin 2; minus strand). Cytogenetic location: 20q13.12.
Variant type: single nucleotide variant.
Coding change: c.799G>A on transcript NM_020433.5 (MANE Select); coding-DNA position 799, G replaced by A.
Protein change: p.Gly267Arg; replaces glycine 267 with arginine.
Molecular consequence: missense variant.
Genome position (GRCh38, 1-based): chr20:44,159,988, C>T on the plus strand (G>A on the coding strand, the complement: JPH2 is on the minus strand). VCF-style: chr20-44159988-C-T. GRCh37 (hg19) VCF-style: chr20-42788628-C-T.
Other names: short protein forms G267R.
Identifiers: ClinVar variation 3227392 (VCV003227392.1), dbSNP rs1335205916, ClinGen allele CA409093647.
Genomic context (GRCh38, chr20:44,159,988, plus strand): 5'-TGGTGGCGTCGATATCGGCCTCGAAGGGTGCGGCCTCGTCGGCGCCCTCGGCGGCCTCTC[C>T]CAGGCTGGCGGTGGACGCGGCGTCGCTGGCGCCCGAGCTGAGGTCGCTCTTAAGGAAGCT-3'
Protein context (NP_065166.2, residues 257-277): ASDAASTASL[Gly267Arg]EAAEGADEAA